The following is an entry in ClinVar:

NM_001324144.2(ZNF41):c.332C>T (p.Pro111Leu)

Gene: ZNF41 (zinc finger protein 41; minus strand). Cytogenetic location: Xp11.3.
Variant type: single nucleotide variant.
Coding change: c.332C>T on transcript NM_001324144.2 (MANE Select); coding-DNA position 332, C replaced by T.
Protein change: p.Pro111Leu; replaces proline 111 with leucine.
Molecular consequence: missense variant. On other transcripts: intron variant (2).
Genome position (GRCh38, 1-based): chrX:47,449,438, G>A on the plus strand (C>T on the coding strand, the complement: ZNF41 is on the minus strand). VCF-style: chrX-47449438-G-A. GRCh37 (hg19) VCF-style: chrX-47308837-G-A.
Other names: c.74C>T, p.Pro25Leu (NM_001324139.2, NM_001324141.2, NM_001324143.2 and 3 more transcripts); c.332C>T, p.Pro111Leu (NM_001324140.2, NM_001324147.2, NM_001324150.2 and 2 more transcripts); c.338C>T, p.Pro113Leu (NM_001324142.2, NM_001324148.2); c.362C>T, p.Pro121Leu (NM_001324151.2, NM_001324153.2); c.434C>T, p.Pro145Leu (NM_001324154.1); c.458C>T, p.Pro153Leu (NM_001324155.1); c.296-72C>T (NM_001324157.1); c.302-72C>T (NM_001324156.1); short protein forms P111L, P113L, P153L, P145L, P25L, P121L.
Identifiers: ClinVar variation 9760 (VCV000009760.24), dbSNP rs104894955, ClinGen allele CA229251.
Genomic context (GRCh38, chrX:47,449,438, plus strand): 5'-CATAATGAATCTTCTCCTATGGGTTGATCAAATCTCTCACAGTGGAAGAAAATTCCTCCA[G>A]GAATTCCCTGTTGCTGCATTTTCCCAATAGCCTCACCTAAAAAGAAAATGAAAGAAATGA-3'
Protein context (NP_001311073.1, residues 101-121): AIGKMQQQGI[Pro111Leu]GGIFFHCERF

ClinVar aggregate classification (germline): Likely benign. Review status: criteria provided, multiple submitters, no conflicts (2 of 4 stars). 3 submissions from 3 submitters: Likely benign (2). 1 of the submissions does not count toward it. Last evaluated 2024-04-01.

Allele frequency attached by ClinVar (database versions not stated): ExAC 0.00048; gnomAD exomes 0.00052 and 0.00162; gnomAD 0.00062 and 0.00065; TOPMed 0.00071.
gnomAD v4.1: 1,820 of 1,207,428 alleles (0.15%); highest among the groups gnomAD compares: Non-Finnish European, 0.2%; 1 homozygote.

Submissions (3):

CeGaT Center for Human Genetics Tuebingen
Classification: Likely benign. Last evaluated: 2024-04-01. Review status: criteria provided, single submitter. Criteria: CeGaT Center For Human Genetics Tuebingen Variant Classification Criteria Version 2. Collection method: clinical testing. Allele origin: germline. Affected: yes. Observed: 2 variant alleles.
Comment: ZNF41: BP4, BS2

Center for Pediatric Genomic Medicine, Children's Mercy Hospital and Clinics
Classification: Likely benign. Last evaluated: 2017-09-15. Review status: criteria provided, single submitter. Criteria: ACMG Guidelines, 2015. Collection method: clinical testing. Allele origin: germline.

OMIM
Classification: Uncertain significance for RECLASSIFIED - VARIANT OF UNKNOWN SIGNIFICANCE. Last evaluated: 2013-08-08. Review status: no assertion criteria provided. Collection method: literature only. Allele origin: germline. Not counted in ClinVar's aggregate classification.

Literature cited by the submitters: PubMed 14628291 (cited by OMIM); PubMed 23871722 (cited by OMIM).